The following is an entry in ClinVar:

NM_001291303.3(FAT4):c.8676A>G (p.Lys2892=)

Gene: FAT4 (FAT atypical cadherin 4; plus strand). Cytogenetic location: 4q28.1.
Variant type: single nucleotide variant.
Coding change: c.8676A>G on transcript NM_001291303.3 (MANE Select); coding-DNA position 8676, A replaced by G.
Protein change: p.Lys2892=; no amino-acid change (lysine 2892 retained).
Molecular consequence: synonymous variant.
Genome position (GRCh38, 1-based): chr4:125,449,686, A>G. VCF-style: chr4-125449686-A-G. GRCh37 (hg19) VCF-style: chr4-126370841-A-G.
Other names: c.8676A>G, p.Lys2892= (NM_001291285.3, NM_001438396.1, NM_001438397.1); c.3447A>G, p.Lys1149= (NM_001437895.1); c.8670A>G, p.Lys2890= (NM_024582.6).
Identifiers: ClinVar variation 4984681 (VCV004984681.1).
Genomic context (GRCh38, chr4:125,449,686, plus strand): 5'-AAGATTTAGCAGAACTTCCTATTATTTAGATTGCCCTGAACTTACTGAGATTGGCTCCAA[A>G]GTAACTCAGGTATTTGCAACAGATCCTGATGAGGGATCAAATGGACAAGTGTTTTATTTC-3'
Protein context (NP_001278232.1, residues 2882-2902): DCPELTEIGS[Lys2892=]VTQVFATDPD

ClinVar aggregate classification (germline): Likely benign (1 of 4 stars; one submission).

Conditions:
FAT4-related disorder. Also called: FAT4-related condition.

gnomAD v4.1: 4 of 1,613,972 alleles (0.00025%); highest among the groups gnomAD compares: East Asian, 0.0022%; no homozygotes.

Submission:

PreventionGenetics, part of Exact Sciences
Classification: Likely benign for FAT4-related condition. Last evaluated: 2025-02-27. Review status: criteria provided, single submitter. Criteria: ACMG Guidelines, 2015. Collection method: clinical testing. Allele origin: germline.
Comment: This variant is classified as likely benign based on ACMG/AMP sequence variant interpretation guidelines (Richards et al. 2015 PMID: 25741868, with internal and published modifications).